The following is an entry in ClinVar:

NM_001348323.3(TRIP12):c.81C>G (p.Asp27Glu)

Gene: TRIP12 (thyroid hormone receptor interactor 12; minus strand). Cytogenetic location: 2q36.3.
Variant type: single nucleotide variant.
Coding change: c.81C>G on transcript NM_001348323.3 (MANE Select); coding-DNA position 81, C replaced by G.
Protein change: p.Asp27Glu; replaces aspartic acid 27 with glutamic acid.
Molecular consequence: missense variant.
Genome position (GRCh38, 1-based): chr2:229,879,999, G>C on the plus strand (C>G on the coding strand, the complement: TRIP12 is on the minus strand). VCF-style: chr2-229879999-G-C. GRCh37 (hg19) VCF-style: chr2-230744715-G-C.
Other names: c.81C>G, p.Asp27Glu (NM_001284214.2, NM_001284215.2, NM_001284216.2 and 22 more transcripts); short protein forms D27E.
Identifiers: ClinVar variation 3257322 (VCV003257322.17).

ClinVar aggregate classification (germline): Uncertain significance (1 of 4 stars; one submission).

gnomAD v4.1: 1 of 1,613,904 alleles (0.000062%); no homozygotes.

Submission:

CeGaT Center for Human Genetics Tuebingen
Classification: Uncertain significance. Last evaluated: 2024-07-01. Review status: criteria provided, single submitter. Criteria: CeGaT Center For Human Genetics Tuebingen Variant Classification Criteria Version 2. Collection method: clinical testing. Allele origin: germline. Affected: yes. Observed: 1 variant allele.
Comment: TRIP12: PM2